The following is an entry in ClinVar:

ClinVar aggregate classification (germline): Benign/Likely benign. Review status: criteria provided, multiple submitters, no conflicts (2 of 4 stars). 7 submissions from 7 submitters: Benign (3); Likely benign (3). 1 of the submissions does not count toward it. Last evaluated 2026-03-01.

Conditions:
Leber congenital amaurosis 7 (LCA7). Identifiers: Orphanet 65, MedGen C3151192, MONDO:0013449, OMIM 613829.
Retinitis pigmentosa (RP). Identifiers: Orphanet 791, MedGen C0035334, MeSH D012174, MONDO:0019200, OMIM 268000. Inheritance: Autosomal dominant, autosomal recessive and X linked inheritance.
Cone-rod dystrophy 2 (CORD2). Also called: CONE-ROD RETINAL DYSTROPHY; Cone-rod retinal dystrophy 2. Identifiers: Orphanet 1872, MedGen C3489532, MONDO:0007362, OMIM 120970.
Leber congenital amaurosis 1 (LCA1). Also called: RETINAL BLINDNESS, CONGENITAL; Congenital absence of the rods and cones; Leber's congenital tapetoretinal degeneration; Leber's congenital tapetoretinal dysplasia; AMAUROSIS CONGENITA OF LEBER I. Identifiers: Orphanet 65, MedGen C2931258, MONDO:0008764, OMIM 204000.

Allele frequency attached by ClinVar (database versions not stated): gnomAD exomes 0.00043 and 0.00120; ExAC 0.00144; 1000 Genomes Project 0.00359; 1000 Genomes Project 30x 0.00390; gnomAD 0.00482 and 0.00521; TOPMed 0.00536; ESP Exome Variant Server 0.00646.
gnomAD v4.1: 1,400 of 1,613,962 alleles (0.087%); highest among the groups gnomAD compares: African/African-American, 1.6%; 15 homozygotes.

Submissions (7):

CeGaT Center for Human Genetics Tuebingen
Classification: Benign. Last evaluated: 2026-03-01. Review status: criteria provided, single submitter. Criteria: CeGaT Center For Human Genetics Tuebingen Variant Classification Criteria Version 2. Collection method: clinical testing. Allele origin: germline. Affected: yes. Observed: 1 variant allele.
Comment: CRX: BS1, BS2

Labcorp Genetics (formerly Invitae), Labcorp
Classification: Benign for Cone-rod dystrophy 2; Leber congenital amaurosis 7. Last evaluated: 2026-01-22. Review status: criteria provided, single submitter. Criteria: Invitae Variant Classification Sherloc (09022015). Collection method: clinical testing. Allele origin: germline.

Blueprint Genetics
Classification: Likely benign. Last evaluated: 2024-11-27. Review status: criteria provided, single submitter. Criteria: ACMG Guidelines, 2015. Collection method: clinical testing. Allele origin: germline.

Fulgent Genetics
Classification: Likely benign for Cone-rod dystrophy 2; Retinitis pigmentosa; Leber congenital amaurosis 7. Last evaluated: 2022-05-17. Review status: criteria provided, single submitter. Criteria: ACMG Guidelines, 2015. Collection method: clinical testing. Allele origin: unknown.

Mendelics
Classification: Likely benign for Leber congenital amaurosis 1. Last evaluated: 2019-05-28. Review status: criteria provided, single submitter. Criteria: Mendelics Assertion Criteria 2017. Collection method: clinical testing. Allele origin: unknown.

Eurofins Ntd Llc (ga)
Classification: Benign. Last evaluated: 2017-06-15. Review status: criteria provided, single submitter. Criteria: EGL Classification Definitions 2015. Collection method: clinical testing. Allele origin: germline. Observed: 1 variant allele, 1 heterozygote.

Retina International
No classification provided. Review status: no classification provided. Collection method: not provided. Allele origin: not provided. Not counted in ClinVar's aggregate classification.

NM_000554.6(CRX):c.724G>A (p.Val242Met)

Gene: CRX (cone-rod homeobox; plus strand). Cytogenetic location: 19q13.33.
Variant type: single nucleotide variant.
Coding change: c.724G>A on transcript NM_000554.6 (MANE Select); coding-DNA position 724, G replaced by A.
Protein change: p.Val242Met; replaces valine 242 with methionine.
Molecular consequence: missense variant.
Genome position (GRCh38, 1-based): chr19:47,839,791, G>A. VCF-style: chr19-47839791-G-A. GRCh37 (hg19) VCF-style: chr19-48343048-G-A.
Other names: short protein forms V242M.
Identifiers: ClinVar variation 99621 (VCV000099621.22), dbSNP rs61748459, ClinGen allele CA227644.